The following is an entry in ClinVar:

NM_177438.3(DICER1):c.2030C>T (p.Ala677Val)

Gene: DICER1 (dicer 1, ribonuclease III; minus strand). Cytogenetic location: 14q32.13.
Variant type: single nucleotide variant.
Coding change: c.2030C>T on transcript NM_177438.3 (MANE Select); coding-DNA position 2030, C replaced by T.
Protein change: p.Ala677Val; replaces alanine 677 with valine.
Molecular consequence: missense variant.
Genome position (GRCh38, 1-based): chr14:95,113,102, G>A on the plus strand (C>T on the coding strand, the complement: DICER1 is on the minus strand). VCF-style: chr14-95113102-G-A. GRCh37 (hg19) VCF-style: chr14-95579439-G-A.
Other names: c.2030C>T, p.Ala677Val (NM_001195573.1, NM_001271282.3, NM_001291628.2 and 1 more transcripts); short protein forms A677V.
Identifiers: ClinVar variation 663664 (VCV000663664.10), dbSNP rs1595396514, ClinGen allele CA390883173.

ClinVar aggregate classification (germline): Uncertain significance (1 of 4 stars; one submission).

Conditions:
DICER1-related tumor predisposition. Also called: DICER1 syndrome; DICER1-related pleuropulmonary blastoma cancer predisposition syndrome. Identifiers: Orphanet 284343, MedGen C3839822, MONDO:0100216.

gnomAD v4.1: 1 of 1,613,674 alleles (0.000062%); highest among the groups gnomAD compares: Non-Finnish European, 0.000085%; no homozygotes.

Submission:

Labcorp Genetics (formerly Invitae), Labcorp
Classification: Uncertain significance for DICER1-related tumor predisposition. Last evaluated: 2018-07-26. Review status: criteria provided, single submitter. Criteria: Invitae Variant Classification Sherloc (09022015). Collection method: clinical testing. Allele origin: germline.
Comment: In summary, the available evidence is currently insufficient to determine the role of this variant in disease. Therefore, it has been classified as a Variant of Uncertain Significance. Algorithms developed to predict the effect of missense changes on protein structure and function (SIFT, PolyPhen-2, Align-GVGD) all suggest that this variant is likely to be tolerated, but these predictions have not been confirmed by published functional studies and their clinical significance is uncertain. This variant has not been reported in the literature in individuals with DICER1-related disease. This variant is not present in population databases (ExAC no frequency). This sequence change replaces alanine with valine at codon 677 of the DICER1 protein (p.Ala677Val). The alanine residue is moderately conserved and there is a small physicochemical difference between alanine and valine.